The following is an entry in ClinVar:

ClinVar aggregate classification (germline): Uncertain significance (1 of 4 stars; one submission).

Conditions:
Mowat-Wilson syndrome (MOWS). Also called: Classic Mowat-Wilson Syndrome. Identifiers: Orphanet 2152, MedGen C1856113, MONDO:0009341, OMIM 235730.

Submission:

Labcorp Genetics (formerly Invitae), Labcorp
Classification: Uncertain significance for Mowat-Wilson syndrome. Last evaluated: 2023-06-14. Review status: criteria provided, single submitter. Criteria: Invitae Variant Classification Sherloc (09022015). Collection method: clinical testing. Allele origin: unknown.
Comment: In summary, the available evidence is currently insufficient to determine the role of this variant in disease. Therefore, it has been classified as a Variant of Uncertain Significance. Experimental studies and prediction algorithms are not available or were not evaluated, and the functional significance of this variant is currently unknown. This variant has not been reported in the literature in individuals affected with ZEB2-related conditions. This variant results in a copy number gain of the genomic region encompassing exon(s) 2 of the ZEB2 gene. This region includes the initiator codon of the gene. This copy number gain extends beyond the assayed region for this gene and therefore may encompass additional genes. As the precise location of this event is unknown, it may be in tandem or it may be located elsewhere in the genome.

NC_000002.11:g.(?_145274845)_(145274917_?)dup

Gene: ZEB2 (zinc finger E-box binding homeobox 2; minus strand). Cytogenetic location: 2q22.3.
Variant type: Duplication.
Identifiers: ClinVar variation 3247279 (VCV003247279.1).